The following is an entry in ClinVar:

NM_001368894.2(PAX6):c.373dup (p.Val125fs)

Gene: PAX6 (paired box 6; minus strand). Cytogenetic location: 11p13.
Variant type: Duplication.
Coding change: c.373dup on transcript NM_001368894.2 (MANE Select); coding-DNA position 373, one base duplicated (G; older notation c.373dupG).
Protein change: p.Val125fs; shifts the reading frame from valine 125.
Molecular consequence: frameshift variant. On other transcripts: 5 prime UTR variant (14), non-coding transcript variant (2), intron variant (8).
Genome position (GRCh38, 1-based): chr11:31,801,587, C duplicated on the plus strand (G on the coding strand, the reverse complement: PAX6 is on the minus strand); the first of 5 consecutive C bases (chr11:31,801,587-31,801,591); duplicating any one gives the same sequence. VCF-style (leftmost placement, unchanged base first): chr11-31801586-A-AC. GRCh37 (hg19) VCF-style: chr11-31823134-A-AC.
Other names: c.331dup, p.Val111fs (NM_000280.6, NM_001127612.3, NM_001258464.2 and 10 more transcripts); c.373dup, p.Val125fs (NM_001258462.3, NM_001258463.2, NM_001310158.2 and 6 more transcripts); c.-409dup (NM_001310160.2, NM_001368902.2, NM_001368905.2); c.-78dup (NM_001310161.3, NM_001368899.2, NM_001368900.2 and 8 more transcripts); c.574dup, p.Val192fs (NM_001368910.2); c.376dup, p.Val126fs (NM_001368911.2); c.448dup, p.Val150fs (NM_001368918.2, NM_001368919.2); c.406dup, p.Val136fs (NM_001368920.2); and 2 more; short protein forms V111fs, V126fs, V125fs, V150fs, V136fs, V192fs.
Identifiers: ClinVar variation 800424 (VCV000800424.6), dbSNP rs1357628990, ClinGen allele CA598390156.

ClinVar aggregate classification (germline): Pathogenic. Review status: criteria provided, multiple submitters, no conflicts (2 of 4 stars). 2 submissions from 2 submitters: Pathogenic (2). Last evaluated 2022-08-02.

Conditions:
Aniridia 1 (AN1). Identifiers: Orphanet 250923, MedGen C0344542, MONDO:0024507, OMIM 106210.
Irido-corneo-trabecular dysgenesis (ASGD5). Also called: ANTERIOR SEGMENT DYSGENESIS 5. Identifiers: Orphanet 708, MedGen C0344559, MONDO:0011414, OMIM 604229, HP:0000659.

Submissions (2):

Labcorp Genetics (formerly Invitae), Labcorp
Classification: Pathogenic for Aniridia 1; Irido-corneo-trabecular dysgenesis. Last evaluated: 2022-08-02. Review status: criteria provided, single submitter. Criteria: Invitae Variant Classification Sherloc (09022015). Collection method: clinical testing. Allele origin: germline.
Comment: For these reasons, this variant has been classified as Pathogenic. ClinVar contains an entry for this variant (Variation ID: 800424). This variant is also known as c.693-694insG. This premature translational stop signal has been observed in individual(s) with aniridia (PMID: 10477494, 32360764). This variant is not present in population databases (gnomAD no frequency). This sequence change creates a premature translational stop signal (p.Val111Glyfs*6) in the PAX6 gene. It is expected to result in an absent or disrupted protein product. Loss-of-function variants in PAX6 are known to be pathogenic (PMID: 12634864).

Wessex Regional Genetics Laboratory, Salisbury District Hospital
Classification: Pathogenic for Aniridia 1. Last evaluated: 2019-08-15. Review status: criteria provided, single submitter. Criteria: ACMG Guidelines, 2015. Collection method: clinical testing. Allele origin: unknown, inherited. Inheritance: Autosomal dominant inheritance. Affected: yes. Observed: 2 variant alleles.

Literature cited by the submitters: PubMed 10477494 (cited by Labcorp Genetics (formerly Invitae), Labcorp); PubMed 32360764 (cited by Labcorp Genetics (formerly Invitae), Labcorp); PubMed 12634864 (cited by Labcorp Genetics (formerly Invitae), Labcorp).